The following is an entry in ClinVar:

ClinVar aggregate classification (germline): Uncertain significance (1 of 4 stars; one submission).

Submission:

Ambry Genetics
Classification: Uncertain significance. Last evaluated: 2023-08-05. Review status: criteria provided, single submitter. Criteria: Ambry Variant Classification Scheme 2023. Collection method: clinical testing. Allele origin: germline.
Comment: The p.H303Q variant (also known as c.909C>A), located in coding exon 10 of the PRKDC gene, results from a C to A substitution at nucleotide position 909. The histidine at codon 303 is replaced by glutamine, an amino acid with highly similar properties. This amino acid position is conserved. In addition, the in silico prediction for this alteration is inconclusive. Since supporting evidence is limited at this time, the clinical significance of this alteration remains unclear.

NM_006904.7(PRKDC):c.909C>A (p.His303Gln)

Gene: PRKDC (protein kinase, DNA-activated, catalytic subunit; minus strand). Cytogenetic location: 8q11.21.
Variant type: single nucleotide variant.
Coding change: c.909C>A on transcript NM_006904.7 (MANE Select); coding-DNA position 909, C replaced by A.
Protein change: p.His303Gln; replaces histidine 303 with glutamine.
Molecular consequence: missense variant.
Genome position (GRCh38, 1-based): chr8:47,943,266, G>T on the plus strand (C>A on the coding strand, the complement: PRKDC is on the minus strand). VCF-style: chr8-47943266-G-T. GRCh37 (hg19) VCF-style: chr8-48855826-G-T.
Other names: c.909C>A, p.His303Gln (NM_001081640.2); short protein forms H303Q.
Identifiers: ClinVar variation 2626351 (VCV002626351.2), dbSNP rs2551880610, ClinGen allele CA371136107.